The following is an entry in ClinVar:

ClinVar aggregate classification (germline): Pathogenic (1 of 4 stars; one submission).

Submission:

CeGaT Center for Human Genetics Tuebingen
Classification: Pathogenic. Last evaluated: 2023-12-01. Review status: criteria provided, single submitter. Criteria: CeGaT Center For Human Genetics Tuebingen Variant Classification Criteria Version 2. Collection method: clinical testing. Allele origin: germline. Affected: yes. Observed: 1 variant allele.
Comment: NF1: PVS1, PM2

NM_001042492.3(NF1):c.5961_5962del (p.Gln1987fs)

Gene: NF1 (neurofibromin 1; plus strand). Cytogenetic location: 17q11.2.
Variant type: Deletion.
Coding change: c.5961_5962del on transcript NM_001042492.3 (MANE Select); coding-DNA positions 5961 to 5962, 2 bases deleted (GA; older notation c.5961_5962delGA).
Protein change: p.Gln1987fs; shifts the reading frame from glutamine 1987.
Molecular consequence: frameshift variant.
Genome position (GRCh38, 1-based): chr17:31,334,986-31,334,987, GA deleted; deleting any 2 consecutive bases within chr17:31,334,985-31,334,987 gives the same sequence; the c. name uses the placement nearest the transcript's 3' end. VCF-style (leftmost placement, unchanged base first): chr17-31334984-CAG-C. GRCh37 (hg19) VCF-style: chr17-29662002-CAG-C.
Other names: c.5898_5899delGA, p.Gln1966Hisfs (NM_000267.4); short protein forms Q1966fs, Q1987fs.
Identifiers: ClinVar variation 3026656 (VCV003026656.22), dbSNP rs2508737379, ClinGen allele CA2695225084.